The following is an entry in ClinVar:

NM_000535.7(PMS2):c.2445+13A>T

Gene: PMS2 (PMS1 homolog 2, mismatch repair system component; minus strand). Cytogenetic location: 7p22.1.
Variant type: single nucleotide variant.
Coding change: c.2445+13A>T on transcript NM_000535.7 (MANE Select); 13 bases into the intron after coding-DNA position 2445, A replaced by T.
Molecular consequence: intron variant.
Genome position (GRCh38, 1-based): chr7:5,977,575, T>A on the plus strand (A>T on the coding strand, the complement: PMS2 is on the minus strand). VCF-style: chr7-5977575-T-A. GRCh37 (hg19) VCF-style: chr7-6017206-T-A.
Other names: c.2127+13A>T (NM_001322008.2, NM_001322007.2); c.1884+13A>T (NM_001322010.2); c.2040+13A>T (NM_001322004.2, NM_001322003.2, NM_001322005.2); c.1872+13A>T (NM_001322013.2); c.1512+13A>T (NM_001322012.2, NM_001322011.2); c.2136+13A>T (NM_001322015.2); c.2289+13A>T (NM_001322006.2); c.2478+13A>T (NM_001322014.2); and 1 more.
Identifiers: ClinVar variation 385510 (VCV000385510.1), dbSNP rs1057522244, ClinGen allele CA16605342.
Genomic context (GRCh38, chr7:5,977,575, plus strand): 5'-AGGAGCTGGGCTGAGACCTTCCTCGACTGCAAGCTTGAGCAGCTGAGCTGACAGCCAGGC[T>A]TTCTTTACTTACCGACTTCCGGCAGGCTCTGGAGGCAAACATCTGCTTGACTCGGGAAGG-3'

ClinVar aggregate classification (germline): Likely benign (1 of 4 stars; one submission).

Submission:

GeneDx
Classification: Likely benign. Last evaluated: 2016-04-11. Review status: criteria provided, single submitter. Criteria: GeneDx Variant Classification (06012015). Collection method: clinical testing. Allele origin: germline. Affected: yes.
Comment: This variant is considered likely benign or benign based on one or more of the following criteria: it is a conservative change, it occurs at a poorly conserved position in the protein, it is predicted to be benign by multiple in silico algorithms, and/or has population frequency not consistent with disease.